The following is an entry in ClinVar:

ClinVar aggregate classification (germline): Pathogenic (1 of 4 stars; one submission).

Submission:

Clinical Genomics Laboratory, Laboratory for Precision Diagnostics, University of Washington
Classification: Pathogenic. Last evaluated: 2023-02-17. Review status: criteria provided, single submitter. Criteria: ACMG/ClinGen CNV Guidelines, 2019. Collection method: clinical testing. Allele origin: unknown. Affected: yes. Observed: 1 variant allele, 1 mosaic individual.
Comment: This interstitial mosaic duplication is approximately 87 Mb in size and contains 393 protein-coding genes. The duplication spans the centromere, so likely represents a mosaic supernumerary chromosome 6 containing 6p21.31q22.31. CMA data is consistent with the duplication being present in approximately 45% of cells.

Literature cited by the submitters: PubMed 7889650; PubMed 22639445; PubMed 29080333; PubMed 3561952; PubMed 8500257; PubMed 10706357.

GRCh38/hg38 6p21.31-q22.31(chr6:35842889-122614016)x3

Genes: AARS2 (alanyl-tRNA synthetase 2, mitochondrial; minus strand), ABCC10 (ATP binding cassette subfamily C member 10; plus strand), ADGRB3 (adhesion G protein-coupled receptor B3; plus strand), ADGRB3-DT (ADGRB3 divergent transcript; minus strand), ADGRF1 (adhesion G protein-coupled receptor F1; minus strand) and 2035 more. Cytogenetic location: 6p21.31-q22.31.
Variant type: copy number gain.
Change: copy number 3 (three copies instead of two) of chr6:35,842,889-122,614,016 (86.77 Mb, GRCh38 coordinates, 1-based), cytogenetic band 6p21.31-q22.31.
Identifiers: ClinVar variation 4890973 (VCV004890973.1).